The following is an entry in ClinVar:

NM_003676.4(DEGS1):c.183A>C (p.Val61=)

Gene: DEGS1 (delta 4-desaturase, sphingolipid 1; plus strand). Cytogenetic location: 1q42.11.
Variant type: single nucleotide variant.
Coding change: c.183A>C on transcript NM_003676.4 (MANE Select); coding-DNA position 183, A replaced by C.
Protein change: p.Val61=; no amino-acid change (valine 61 retained).
Molecular consequence: synonymous variant.
Genome position (GRCh38, 1-based): chr1:224,189,677, A>C. VCF-style: chr1-224189677-A-C. GRCh37 (hg19) VCF-style: chr1-224377379-A-C.
Other names: c.183A>C, p.Val61= (NM_001321541.2); c.75A>C, p.Val25= (NM_001321542.2).
Identifiers: ClinVar variation 2420558 (VCV002420558.31), dbSNP rs372650988, ClinGen allele CA1413591.

ClinVar aggregate classification (germline): Likely benign. Review status: criteria provided, multiple submitters, no conflicts (2 of 4 stars). 2 submissions from 2 submitters: Likely benign (2). Last evaluated 2023-10-01.

Allele frequency attached by ClinVar (database versions not stated): ExAC 0.00003; gnomAD 0.00004; TOPMed 0.00004; gnomAD exomes 0.00005; ESP Exome Variant Server 0.00008.
gnomAD v4.1: 72 of 1,614,064 alleles (0.0045%); highest among the groups gnomAD compares: Non-Finnish European, 0.0058%; no homozygotes.

Submissions (2):

CeGaT Center for Human Genetics Tuebingen
Classification: Likely benign. Last evaluated: 2023-10-01. Review status: criteria provided, single submitter. Criteria: CeGaT Center For Human Genetics Tuebingen Variant Classification Criteria Version 2. Collection method: clinical testing. Allele origin: germline. Affected: yes. Observed: 1 variant allele.
Comment: DEGS1: BP4, BP7

Labcorp Genetics (formerly Invitae), Labcorp
Classification: Likely benign. Last evaluated: 2021-12-09. Review status: criteria provided, single submitter. Criteria: Invitae Variant Classification Sherloc (09022015). Collection method: clinical testing. Allele origin: germline.